The following is an entry in ClinVar:

NM_001267550.2(TTN):c.43475T>C (p.Ile14492Thr)

Gene: TTN (titin; minus strand). Cytogenetic location: 2q31.2.
Variant type: single nucleotide variant.
Coding change: c.43475T>C on transcript NM_001267550.2 (MANE Select); coding-DNA position 43475, T replaced by C.
Protein change: p.Ile14492Thr; replaces isoleucine 14492 with threonine.
Molecular consequence: missense variant.
Genome position (GRCh38, 1-based): chr2:178,632,531, A>G on the plus strand (T>C on the coding strand, the complement: TTN is on the minus strand). VCF-style: chr2-178632531-A-G. GRCh37 (hg19) VCF-style: chr2-179497258-A-G.
Other names: c.38552T>C, p.Ile12851Thr (NM_001256850.1); c.16280T>C, p.Ile5427Thr (NM_003319.4); c.35771T>C, p.Ile11924Thr (NM_133378.4); c.16655T>C, p.Ile5552Thr (NM_133432.3); c.16856T>C, p.Ile5619Thr (NM_133437.4); short protein forms I11924T, I5427T, I5619T, I12851T, I14492T, I5552T.
Identifiers: ClinVar variation 4982238 (VCV004982238.1).

ClinVar aggregate classification (germline): Uncertain significance (1 of 4 stars; one submission).

Conditions:
TTN-related disorder. Also called: TTN-related disorders; TTN-related condition; TTN-related disease.

gnomAD v4.1: 2 of 1,612,754 alleles (0.00012%); highest among the groups gnomAD compares: Admixed American, 0.0017%; no homozygotes.

Submission:

PreventionGenetics, part of Exact Sciences
Classification: Uncertain significance for TTN-related condition. Last evaluated: 2026-02-16. Review status: criteria provided, single submitter. Criteria: ACMG Guidelines, 2015. Collection method: clinical testing. Allele origin: germline.
Comment: The TTN c.43475T>C variant is predicted to result in the amino acid substitution p.Ile14492Thr. To our knowledge, this variant has not been reported in the literature. This variant is reported in 0.0029% of alleles in individuals of Latino descent in gnomAD. At this time, the clinical significance of this variant is uncertain due to the absence of conclusive functional and genetic evidence.